The following is an entry in ClinVar:

ClinVar aggregate classification (germline): Likely benign. Review status: criteria provided, single submitter (1 of 4 stars). 2 submissions from 2 submitters: Likely benign (1). 1 of the submissions does not count toward it. Last evaluated 2024-08-23.

Conditions:
PLXNA2-related disorder. Also called: PLXNA2-related condition.

Allele frequency attached by ClinVar (database versions not stated): ExAC 0.00010; 1000 Genomes Project 30x 0.00016; 1000 Genomes Project 0.00020; ESP Exome Variant Server 0.00023; gnomAD 0.00026; TOPMed 0.00026.
gnomAD v4.1: 88 of 1,608,980 alleles (0.0055%); highest among the groups gnomAD compares: African/African-American, 0.082%; no homozygotes.

Submissions (2):

Labcorp Genetics (formerly Invitae), Labcorp
Classification: Likely benign. Last evaluated: 2024-08-23. Review status: criteria provided, single submitter. Criteria: Invitae Variant Classification Sherloc (09022015). Collection method: clinical testing. Allele origin: germline.

PreventionGenetics, part of Exact Sciences
Classification: Likely benign for PLXNA2-related condition. Last evaluated: 2021-09-27. Review status: no assertion criteria provided. Collection method: clinical testing. Allele origin: germline. Not counted in ClinVar's aggregate classification.
Comment: This variant is classified as likely benign based on ACMG/AMP sequence variant interpretation guidelines (Richards et al. 2015 PMID: 25741868, with internal and published modifications).

NM_025179.4(PLXNA2):c.2738+9G>A

Gene: PLXNA2 (plexin A2; minus strand). Cytogenetic location: 1q32.2.
Variant type: single nucleotide variant.
Coding change: c.2738+9G>A on transcript NM_025179.4 (MANE Select); 9 bases into the intron after coding-DNA position 2738, G replaced by A.
Molecular consequence: intron variant.
Genome position (GRCh38, 1-based): chr1:208,060,677, C>T on the plus strand (G>A on the coding strand, the complement: PLXNA2 is on the minus strand). VCF-style: chr1-208060677-C-T. GRCh37 (hg19) VCF-style: chr1-208234022-C-T.
Identifiers: ClinVar variation 3036841 (VCV003036841.4), dbSNP rs375303195, ClinGen allele CA1373425.